The following is an entry in ClinVar:

NM_000428.3(LTBP2):c.421G>A (p.Ala141Thr)

Gene: LTBP2 (latent transforming growth factor beta binding protein 2; minus strand). Cytogenetic location: 14q24.3.
Variant type: single nucleotide variant.
Coding change: c.421G>A on transcript NM_000428.3 (MANE Select); coding-DNA position 421, G replaced by A.
Protein change: p.Ala141Thr; replaces alanine 141 with threonine.
Molecular consequence: missense variant.
Genome position (GRCh38, 1-based): chr14:74,611,524, C>T on the plus strand (G>A on the coding strand, the complement: LTBP2 is on the minus strand). VCF-style: chr14-74611524-C-T. GRCh37 (hg19) VCF-style: chr14-75078227-C-T.
Other names: short protein forms A141T.
Identifiers: ClinVar variation 1932155 (VCV001932155.5), dbSNP rs1427266659, ClinGen allele CA390387631.

ClinVar aggregate classification (germline): Uncertain significance (1 of 4 stars; one submission).

gnomAD v4.1: 3 of 1,543,406 alleles (0.00019%); highest among the groups gnomAD compares: Non-Finnish European, 0.00026%; no homozygotes.

Submission:

Labcorp Genetics (formerly Invitae), Labcorp
Classification: Uncertain significance. Last evaluated: 2022-08-09. Review status: criteria provided, single submitter. Criteria: Invitae Variant Classification Sherloc (09022015). Collection method: clinical testing. Allele origin: germline.
Comment: In summary, the available evidence is currently insufficient to determine the role of this variant in disease. Therefore, it has been classified as a Variant of Uncertain Significance. Algorithms developed to predict the effect of missense changes on protein structure and function output the following: SIFT: "Deleterious"; PolyPhen-2: "Benign"; Align-GVGD: "Class C0". The threonine amino acid residue is found in multiple mammalian species, which suggests that this missense change does not adversely affect protein function. This variant has not been reported in the literature in individuals affected with LTBP2-related conditions. This variant is not present in population databases (gnomAD no frequency). This sequence change replaces alanine, which is neutral and non-polar, with threonine, which is neutral and polar, at codon 141 of the LTBP2 protein (p.Ala141Thr).